The following is an entry in ClinVar:

NM_001195553.2(DCX):c.37_38del (p.Lys13fs)

Gene: DCX (doublecortin; minus strand). Cytogenetic location: Xq23.
Variant type: Deletion.
Coding change: c.37_38del on transcript NM_001195553.2 (MANE Select); coding-DNA positions 37 to 38, 2 bases deleted (AA; older notation c.37_38delAA).
Protein change: p.Lys13fs; shifts the reading frame from lysine 13.
Molecular consequence: frameshift variant.
Genome position (GRCh38, 1-based): chrX:111,410,361-111,410,362, TT deleted on the plus strand (AA on the coding strand, the reverse complement: DCX is on the minus strand). VCF-style (leftmost placement, unchanged base first): chrX-111410360-CTT-C. GRCh37 (hg19) VCF-style: chrX-110653588-CTT-C.
Other names: c.280_281del, p.Lys94fs (NM_000555.3); c.37_38del, p.Lys13fs (NM_001369370.1, NM_001369371.1, NM_001369372.1 and 5 more transcripts); short protein forms K13fs, K94fs.
Identifiers: ClinVar variation 1457133 (VCV001457133.6), dbSNP rs2147276732, ClinGen allele CA2573159137.

ClinVar aggregate classification (germline): Pathogenic (1 of 4 stars; one submission).

Submission:

Labcorp Genetics (formerly Invitae), Labcorp
Classification: Pathogenic. Last evaluated: 2022-09-19. Review status: criteria provided, single submitter. Criteria: Invitae Variant Classification Sherloc (09022015). Collection method: clinical testing. Allele origin: germline.
Comment: For these reasons, this variant has been classified as Pathogenic. ClinVar contains an entry for this variant (Variation ID: 1457133). This variant has not been reported in the literature in individuals affected with DCX-related conditions. This variant is not present in population databases (gnomAD no frequency). This sequence change creates a premature translational stop signal (p.Lys13Aspfs*15) in the DCX gene. It is expected to result in an absent or disrupted protein product. Loss-of-function variants in DCX are known to be pathogenic (PMID: 11175293, 23365099).

Literature cited by the submitters: PubMed 11175293; PubMed 23365099.